The following is an entry in ClinVar:

NM_000455.5(STK11):c.51G>T (p.Leu17=)

Gene: STK11 (serine/threonine kinase 11; plus strand). Cytogenetic location: 19p13.3.
Variant type: single nucleotide variant.
Coding change: c.51G>T on transcript NM_000455.5 (MANE Select); coding-DNA position 51, G replaced by T.
Protein change: p.Leu17=; no amino-acid change (leucine 17 retained).
Molecular consequence: synonymous variant. On other transcripts: non-coding transcript variant (1).
Genome position (GRCh38, 1-based): chr19:1,206,964, G>T. VCF-style: chr19-1206964-G-T. GRCh37 (hg19) VCF-style: chr19-1206963-G-T.
Other names: c.51G>T, p.Leu17= (NM_001407255.1).
Identifiers: ClinVar variation 2134065 (VCV002134065.5), dbSNP rs747435838, ClinGen allele CA504706084.

ClinVar aggregate classification (germline): Benign/Likely benign. Review status: criteria provided, multiple submitters, no conflicts (2 of 4 stars). 2 submissions from 2 submitters: Benign (1); Likely benign (1). Last evaluated 2025-09-20.

Conditions:
Peutz-Jeghers syndrome (PJS). Also called: Peutz-Jeghers polyposis; Periorificial lentiginosis syndrome; POLYPOSIS, HAMARTOMATOUS INTESTINAL; POLYPS-AND-SPOTS SYNDROME. Identifiers: Orphanet 2869, MedGen C0031269, MeSH D010580, MONDO:0008280, OMIM 175200.

Allele frequency attached by ClinVar (database versions not stated): gnomAD 0.00001.
gnomAD v4.1: 1 of 1,610,120 alleles (0.000062%); highest among the groups gnomAD compares: Non-Finnish European, 0.000085%; no homozygotes.

Submissions (2):

Labcorp Genetics (formerly Invitae), Labcorp
Classification: Likely benign for Peutz-Jeghers syndrome. Last evaluated: 2025-09-20. Review status: criteria provided, single submitter. Criteria: Invitae Variant Classification Sherloc (09022015). Collection method: clinical testing. Allele origin: germline.

Myriad Genetics, Inc.
Classification: Benign for Peutz-Jeghers syndrome. Last evaluated: 2025-03-24. Review status: criteria provided, single submitter. Criteria: Myriad Autosomal Dominant, Autosomal Recessive and X-Linked Classification Criteria (2023). Collection method: clinical testing. Allele origin: unknown.
Comment: This variant is considered benign. This variant is a silent/synonymous amino acid change and it is not expected to impact splicing.